The following is an entry in ClinVar:

NM_001042492.3(NF1):c.746T>G (p.Leu249Arg)

Gene: NF1 (neurofibromin 1; plus strand). Cytogenetic location: 17q11.2.
Variant type: single nucleotide variant.
Coding change: c.746T>G on transcript NM_001042492.3 (MANE Select); coding-DNA position 746, T replaced by G.
Protein change: p.Leu249Arg; replaces leucine 249 with arginine.
Molecular consequence: missense variant.
Genome position (GRCh38, 1-based): chr17:31,182,523, T>G. VCF-style: chr17-31182523-T-G. GRCh37 (hg19) VCF-style: chr17-29509541-T-G.
Other names: c.746T>G, p.Leu249Arg (NM_000267.4, NM_001128147.3); short protein forms L249R.
Identifiers: ClinVar variation 572042 (VCV000572042.12), dbSNP rs1567826623, ClinGen allele CA398990564.
Genomic context (GRCh38, chr17:31,182,523, plus strand): 5'-TTTTGTTCCTATCTAATAATGTCATTTAATATATTTTTCATGCAGAATGTGCAGAAAAGC[T>G]ATTTGACTTGGTGGATGGTTTTGCTGAAAGCACCAAACGTAAAGCAGCAGTTTGGCCACT-3'
Protein context (NP_001035957.1, residues 239-259): QTDMAECAEK[Leu249Arg]FDLVDGFAES

ClinVar aggregate classification (germline): Uncertain significance. Review status: criteria provided, multiple submitters, no conflicts (2 of 4 stars). 4 submissions from 4 submitters: Uncertain significance (4). Last evaluated 2022-03-15.

Conditions:
Neurofibromatosis, type 1 (NF1). Also called: Peripheral type neurofibromatosis; VON RECKLINGHAUSEN DISEASE; Neurofibromatosis, type I; NEUROFIBROMATOSIS, TYPE I, SOMATIC. Identifiers: Orphanet 636, MedGen C0027831, MONDO:0018975, OMIM 162200. Disease mechanism: loss of function.
Cardiovascular phenotype. Identifiers: MedGen CN230736.
Hereditary cancer-predisposing syndrome. Also called: Hereditary neoplastic syndrome; Neoplastic Syndromes, Hereditary; Hereditary Cancer Syndrome; Tumor predisposition. Identifiers: Orphanet 140162, MedGen C0027672, MeSH D009386, MONDO:0015356.

Submissions (4):

Genome-Nilou Lab
Classification: Uncertain significance for Neurofibromatosis, type 1. Last evaluated: 2022-03-15. Review status: criteria provided, single submitter. Criteria: ACMG Guidelines, 2015. Collection method: clinical testing. Allele origin: germline. Affected: no.

Ambry Genetics
Classification: Uncertain significance for Cardiovascular phenotype; Hereditary cancer-predisposing syndrome. Last evaluated: 2021-06-10. Review status: criteria provided, single submitter. Criteria: Ambry Variant Classification Scheme 2023. Collection method: clinical testing. Allele origin: germline.
Comment: The p.L249R variant (also known as c.746T>G), located in coding exon 8 of the NF1 gene, results from a T to G substitution at nucleotide position 746. The leucine at codon 249 is replaced by arginine, an amino acid with dissimilar properties. This amino acid position is highly conserved in available vertebrate species. In addition, this alteration is predicted to be deleterious by in silico analysis. Since supporting evidence is limited at this time, the clinical significance of this alteration remains unclear.

Genome Diagnostics Laboratory, The Hospital for Sick Children
Classification: Uncertain significance for Neurofibromatosis, type 1. Last evaluated: 2020-10-26. Review status: criteria provided, single submitter. Criteria: ACMG Guidelines, 2015. Collection method: clinical testing. Allele origin: germline. Affected: yes.

Labcorp Genetics (formerly Invitae), Labcorp
Classification: Uncertain significance for Neurofibromatosis, type 1. Last evaluated: 2018-01-28. Review status: criteria provided, single submitter. Criteria: Invitae Variant Classification Sherloc (09022015). Collection method: clinical testing. Allele origin: germline.
Comment: In summary, the available evidence is currently insufficient to determine the role of this variant in disease. Therefore, it has been classified as a Variant of Uncertain Significance. Algorithms developed to predict the effect of missense changes on protein structure and function do not agree on the potential impact of this missense change (SIFT: "Deleterious"; PolyPhen-2: "Benign"; Align-GVGD: "Class C0"). This variant has not been reported in the literature in individuals with NF1-related disease. This variant is not present in population databases (ExAC no frequency). This sequence change replaces leucine with arginine at codon 249 of the NF1 protein (p.Leu249Arg). The leucine residue is moderately conserved and there is a moderate physicochemical difference between leucine and arginine.